The following is an entry in ClinVar:

NM_001379110.1(SLC9A6):c.*16C>G

Gene: SLC9A6 (solute carrier family 9 member A6; plus strand). Cytogenetic location: Xq26.3.
Variant type: single nucleotide variant.
Coding change: c.*16C>G on transcript NM_001379110.1 (MANE Select); 16 bases downstream of the stop codon, C replaced by G.
Molecular consequence: 3 prime UTR variant.
Genome position (GRCh38, 1-based): chrX:136,044,740, C>G. VCF-style: chrX-136044740-C-G. GRCh37 (hg19) VCF-style: chrX-135126899-C-G.
Other names: c.*16C>G (NM_001042537.2, NM_001177651.2, NM_001330652.2 and 1 more transcripts).
Identifiers: ClinVar variation 386665 (VCV000386665.1), dbSNP rs1057522565, ClinGen allele CA16609130.

ClinVar aggregate classification (germline): Likely benign (1 of 4 stars; one submission).

Allele frequency attached by ClinVar (database versions not stated): TOPMed 0.00001; gnomAD exomes below 0.00001; gnomAD 0.00001.
gnomAD v4.1: 3 of 1,203,045 alleles (0.00025%); highest among the groups gnomAD compares: African/African-American, 0.0018%; no homozygotes.

Submission:

GeneDx
Classification: Likely benign. Last evaluated: 2016-06-02. Review status: criteria provided, single submitter. Criteria: GeneDx Variant Classification (06012015). Collection method: clinical testing. Allele origin: germline. Affected: yes.
Comment: This variant is considered likely benign or benign based on one or more of the following criteria: it is a conservative change, it occurs at a poorly conserved position in the protein, it is predicted to be benign by multiple in silico algorithms, and/or has population frequency not consistent with disease.